The following is an entry in ClinVar:

ClinVar aggregate classification (germline): Conflicting classifications of pathogenicity. Review status: criteria provided, conflicting classifications (1 of 4 stars). 3 submissions from 3 submitters: Uncertain significance (1); Likely benign (2). Last evaluated 2025-04-13.

Allele frequency attached by ClinVar (database versions not stated): gnomAD exomes below 0.00001; TOPMed below 0.00001; gnomAD 0.00001.
gnomAD v4.1: 7 of 1,209,386 alleles (0.00058%); highest among the groups gnomAD compares: Non-Finnish European, 0.00067%; no homozygotes.

Submissions (3):

Labcorp Genetics (formerly Invitae), Labcorp
Classification: Uncertain significance. Last evaluated: 2025-04-13. Review status: criteria provided, single submitter. Criteria: Invitae Variant Classification Sherloc (09022015). Collection method: clinical testing. Allele origin: germline.
Comment: This sequence change replaces methionine, which is neutral and non-polar, with isoleucine, which is neutral and non-polar, at codon 955 of the COL4A5 protein (p.Met955Ile). This variant is not present in population databases (gnomAD no frequency). This variant has not been reported in the literature in individuals affected with COL4A5-related conditions. ClinVar contains an entry for this variant (Variation ID: 666684). Invitae Evidence Modeling of protein sequence and biophysical properties (such as structural, functional, and spatial information, amino acid conservation, physicochemical variation, residue mobility, and thermodynamic stability) indicates that this missense variant is not expected to disrupt COL4A5 protein function with a negative predictive value of 95%. In summary, the available evidence is currently insufficient to determine the role of this variant in disease. Therefore, it has been classified as a Variant of Uncertain Significance.

GeneDx
Classification: Likely benign. Last evaluated: 2020-05-19. Review status: criteria provided, single submitter. Criteria: GeneDx Variant Classification Process June 2021. Collection method: clinical testing. Allele origin: germline. Affected: yes.
Comment: Has not been previously published as pathogenic or benign to our knowledge

Laboratory for Molecular Medicine, Mass General Brigham Personalized Medicine
Classification: Likely benign. Last evaluated: 2018-09-13. Review status: criteria provided, single submitter. Criteria: LMM Criteria. Collection method: clinical testing. Allele origin: germline. Observed: 1 variant allele.
Comment: The p.Met955Ile variant in COL4A5 is classified as likely benign due to a lack o f conservation across species. Four mammals (Egyptian jerboa, Chinese hamster, g olden hamster, and hedgehog) have an isoleucine (Ile) at this position. In addit ion, computational prediction tools predict that this variant does not impact th e protein. ACMG/AMP Criteria applied: BP4_Strong, PM2.

NM_033380.3(COL4A5):c.2865G>A (p.Met955Ile)

Gene: COL4A5 (collagen type IV alpha 5 chain; plus strand). Cytogenetic location: Xq22.3.
Variant type: single nucleotide variant.
Coding change: c.2865G>A on transcript NM_033380.3 (MANE Select); coding-DNA position 2865, G replaced by A.
Protein change: p.Met955Ile; replaces methionine 955 with isoleucine.
Molecular consequence: missense variant.
Genome position (GRCh38, 1-based): chrX:108,622,773, G>A. VCF-style: chrX-108622773-G-A. GRCh37 (hg19) VCF-style: chrX-107866003-G-A.
Other names: c.2865G>A, p.Met955Ile (NM_000495.5); short protein forms M955I.
Identifiers: ClinVar variation 666684 (VCV000666684.7), dbSNP rs1350078739, ClinGen allele CA413852851.